The following is an entry in ClinVar:

NM_001854.4(COL11A1):c.3185G>T (p.Arg1062Leu)

Gene: COL11A1 (collagen type XI alpha 1 chain; minus strand). Cytogenetic location: 1p21.1.
Variant type: single nucleotide variant.
Coding change: c.3185G>T on transcript NM_001854.4 (MANE Select); coding-DNA position 3185, G replaced by T.
Protein change: p.Arg1062Leu; replaces arginine 1062 with leucine.
Molecular consequence: missense variant. On other transcripts: non-coding transcript variant (1).
Genome position (GRCh38, 1-based): chr1:102,946,940, C>A on the plus strand (G>T on the coding strand, the complement: COL11A1 is on the minus strand). VCF-style: chr1-102946940-C-A. GRCh37 (hg19) VCF-style: chr1-103412496-C-A.
Other names: c.2837G>T, p.Arg946Leu (NM_001168249.1, NM_080630.4); c.3068G>T, p.Arg1023Leu (NM_001190709.2); c.3221G>T, p.Arg1074Leu (NM_080629.3); short protein forms R1023L, R1062L, R1074L, R946L.
Identifiers: ClinVar variation 1801138 (VCV001801138.1), dbSNP rs1234848212, ClinGen allele CA341171414.

ClinVar aggregate classification (germline): Uncertain significance (1 of 4 stars; one submission).

gnomAD v4.1: 1 of 1,612,518 alleles (0.000062%); highest among the groups gnomAD compares: Non-Finnish European, 0.000085%; no homozygotes.

Submission:

GeneDx
Classification: Uncertain significance. Last evaluated: 2022-05-26. Review status: criteria provided, single submitter. Criteria: GeneDx Variant Classification Process June 2021. Collection method: clinical testing. Allele origin: germline. Affected: yes.
Comment: Not observed at significant frequency in large population cohorts (gnomAD); In silico analysis supports that this missense variant has a deleterious effect on protein structure/function; Has not been previously published as pathogenic or benign to our knowledge